The following is an entry in ClinVar:

NM_000553.6(WRN):c.247A>G (p.Met83Val)

Gene: WRN (WRN RecQ like helicase; plus strand). Cytogenetic location: 8p12.
Variant type: single nucleotide variant.
Coding change: c.247A>G on transcript NM_000553.6 (MANE Select); coding-DNA position 247, A replaced by G.
Protein change: p.Met83Val; replaces methionine 83 with valine.
Molecular consequence: missense variant.
Genome position (GRCh38, 1-based): chr8:31,064,326, A>G. VCF-style: chr8-31064326-A-G. GRCh37 (hg19) VCF-style: chr8-30921842-A-G.
Other names: short protein forms M83V.
Identifiers: ClinVar variation 965836 (VCV000965836.6), dbSNP rs1812610683, ClinGen allele CA370913989.

ClinVar aggregate classification (germline): Uncertain significance (1 of 4 stars; one submission).

Conditions:
Werner syndrome (WRN). Identifiers: Orphanet 902, MedGen C0043119, MONDO:0010196, OMIM 277700.

Submission:

Labcorp Genetics (formerly Invitae), Labcorp
Classification: Uncertain significance for Werner syndrome. Last evaluated: 2022-07-19. Review status: criteria provided, single submitter. Criteria: Invitae Variant Classification Sherloc (09022015). Collection method: clinical testing. Allele origin: germline.
Comment: In summary, the available evidence is currently insufficient to determine the role of this variant in disease. Therefore, it has been classified as a Variant of Uncertain Significance. Algorithms developed to predict the effect of missense changes on protein structure and function are either unavailable or do not agree on the potential impact of this missense change (SIFT: "Not Available"; PolyPhen-2: "Benign"; Align-GVGD: "Not Available"). ClinVar contains an entry for this variant (Variation ID: 965836). This variant has not been reported in the literature in individuals affected with WRN-related conditions. This variant is not present in population databases (gnomAD no frequency). This sequence change replaces methionine, which is neutral and non-polar, with valine, which is neutral and non-polar, at codon 83 of the WRN protein (p.Met83Val).